The following is an entry in ClinVar:

ClinVar aggregate classification (germline): Uncertain significance. Review status: criteria provided, multiple submitters, no conflicts (2 of 4 stars). 2 submissions from 2 submitters: Uncertain significance (2). Last evaluated 2025-08-01.

gnomAD v4.1: 88 of 1,597,796 alleles (0.0055%); highest among the groups gnomAD compares: Middle Eastern, 0.033%; no homozygotes.

Submissions (3):

CeGaT Center for Human Genetics Tuebingen
Classification: Uncertain significance. Last evaluated: 2025-08-01. Review status: criteria provided, single submitter. Criteria: CeGaT Center For Human Genetics Tuebingen Variant Classification Criteria Version 2. Collection method: clinical testing. Allele origin: germline. Affected: yes. Observed: 2 variant alleles.
Comment: GBF1: PS4:Supporting

Mayo Clinic Laboratories, Mayo Clinic
Classification: Uncertain significance. Last evaluated: 2025-04-28. Review status: criteria provided, single submitter. Criteria: ACMG Guidelines, 2015. Collection method: clinical testing. Allele origin: germline. Observed: 1 variant allele.
Comment: BS2

Dr. Peter K. Rogan Lab, Western University
No classification provided (evidence only). Condition: Gastric cancer. Review status: no classification provided. Collection method: in vitro. Allele origin: not applicable. Functional consequence: retained intron. Not counted in ClinVar's aggregate classification.

NM_001377137.1(GBF1):c.3886G>A (p.Gly1296Arg)

Gene: GBF1 (golgi brefeldin A resistant guanine nucleotide exchange factor 1; plus strand). Cytogenetic location: 10q24.32.
Variant type: single nucleotide variant.
Coding change: c.3886G>A on transcript NM_001377137.1 (MANE Select); coding-DNA position 3886, G replaced by A.
Protein change: p.Gly1296Arg; replaces glycine 1296 with arginine.
Molecular consequence: missense variant. On other transcripts: non-coding transcript variant (5).
Genome position (GRCh38, 1-based): chr10:102,375,584, G>A. VCF-style: chr10-102375584-G-A. GRCh37 (hg19) VCF-style: chr10-104135341-G-A.
Other names: NC_000010.10:g.104135341G>A; p.Gly1295Arg; c.3886G>A, p.Gly1296Arg (NM_001199378.2, NM_001391923.1); c.3883G>A, p.Gly1295Arg (NM_001199379.2, NM_001377141.1, NM_001391924.1 and 3 more transcripts); c.3847G>A, p.Gly1283Arg (NM_001377138.1, NM_001391925.1); c.3589G>A, p.Gly1197Arg (NM_001377139.1, NM_001377140.1); c.3982G>A, p.Gly1328Arg (NM_001391922.1, NM_001411027.1); c.3850G>A, p.Gly1284Arg (NM_001391926.1); and 4 more; short protein forms G1295R, G1169R, G1197R, G1216R, G1248R, G1283R, G1284R, G1296R.
Identifiers: ClinVar variation 3341768 (VCV003341768.17).